The following is an entry in ClinVar:

ClinVar aggregate classification (germline): Uncertain significance (1 of 4 stars; one submission).

Conditions:
Cardiovascular phenotype. Identifiers: MedGen CN230736.

gnomAD v4.1: 3 of 1,605,188 alleles (0.00019%); highest among the groups gnomAD compares: Non-Finnish European, 0.00026%; no homozygotes.

Submission:

Ambry Genetics
Classification: Uncertain significance for Cardiovascular phenotype. Last evaluated: 2025-07-28. Review status: criteria provided, single submitter. Criteria: Ambry Variant Classification Scheme 2023. Collection method: clinical testing. Allele origin: germline.
Comment: The p.S54R variant (also known as c.162C>G), located in coding exon 3 of the EPHB4 gene, results from a C to G substitution at nucleotide position 162. The serine at codon 54 is replaced by arginine, an amino acid with dissimilar properties. This amino acid position is conserved. In addition, this alteration is predicted to be tolerated by in silico analysis. Based on the available evidence, the clinical significance of this variant remains unclear.

NM_004444.5(EPHB4):c.162C>G (p.Ser54Arg)

Gene: EPHB4 (EPH receptor B4; minus strand). Cytogenetic location: 7q22.1.
Variant type: single nucleotide variant.
Coding change: c.162C>G on transcript NM_004444.5 (MANE Select); coding-DNA position 162, C replaced by G.
Protein change: p.Ser54Arg; replaces serine 54 with arginine.
Molecular consequence: missense variant.
Genome position (GRCh38, 1-based): chr7:100,823,893, G>C on the plus strand (C>G on the coding strand, the complement: EPHB4 is on the minus strand). VCF-style: chr7-100823893-G-C. GRCh37 (hg19) VCF-style: chr7-100421515-G-C.
Other names: short protein forms S54R.
Identifiers: ClinVar variation 4249964 (VCV004249964.1).
Genomic context (GRCh38, chr7:100,823,893, plus strand): 5'-GCGAAGCCAGTGGGCCTGGCCCGGGGCACGCTGCACGTCACACACTTCGTAGGTGCGCAC[G>C]CTGTGCTGTTCCTCATCCAGGCCGCTCAGTTCCTCCCACTGTGCAGAGAAGGAGGTCAGC-3'
Protein context (NP_004435.3, residues 44-64): ELSGLDEEQH[Ser54Arg]VRTYEVCDVQ